The following is an entry in ClinVar:

NM_005912.3(MC4R):c.482T>C (p.Met161Thr)

Gene: MC4R (melanocortin 4 receptor; minus strand). Cytogenetic location: 18q21.32.
Variant type: single nucleotide variant.
Coding change: c.482T>C on transcript NM_005912.3 (MANE Select); coding-DNA position 482, T replaced by C.
Protein change: p.Met161Thr; replaces methionine 161 with threonine.
Molecular consequence: missense variant.
Genome position (GRCh38, 1-based): chr18:60,371,868, A>G on the plus strand (T>C on the coding strand, the complement: MC4R is on the minus strand). VCF-style: chr18-60371868-A-G. GRCh37 (hg19) VCF-style: chr18-58039101-A-G.
Other names: short protein forms M161T.
Identifiers: ClinVar variation 4812825 (VCV004812825.1).

ClinVar aggregate classification (germline): Likely pathogenic (1 of 4 stars; one submission).

Conditions:
Early onset severe obesity. Identifiers: MedGen C4013980.

Submission:

Cambridge Genomics Laboratory, East Genomic Laboratory Hub, NHS Genomic Medicine Service
Classification: Likely pathogenic for Severe early-onset obesity. Last evaluated: 2023-11-15. Review status: criteria provided, single submitter. Criteria: ACGS Best Practice Guidelines for Variant Classification in Rare Disease 2020. Collection method: clinical testing. Allele origin: germline. Affected: yes.
Comment: The p.Met161Thr variant is observed in 1/30.614 (0.0033%) alleles from individuals of gnomAD South Asian background in gnomAD All. The p.Met161Thr variant is novel (not in any individuals) in 1kG All. The p.Met161Thr variant is novel (not in any individuals) in gnomAD Genomes v3 All. (PM2 - Moderate) | 3 variants within 6 amino acid positions of the variant p.Met161Thr have been shown to be pathogenic, while only 1 have been shown to be benign. There are no benign variants within 3 amino acid positions of the variant p.Met161Thr. (PM1_Supporting - Supporting) | Functional studies demonstrate that this variant has a damaging effect on the gene or gene product (PS3_Supporting - Supporting) | The variant is observed in trans (in a compound heterozygous state) with another pathogenic variant. (PM3 - Moderate)